The following is an entry in ClinVar:

NM_031471.6(FERMT3):c.1077T>G (p.Phe359Leu)

Gene: FERMT3 (FERM domain containing kindlin 3; plus strand). Cytogenetic location: 11q13.1.
Variant type: single nucleotide variant.
Coding change: c.1077T>G on transcript NM_031471.6 (MANE Select); coding-DNA position 1077, T replaced by G.
Protein change: p.Phe359Leu; replaces phenylalanine 359 with leucine.
Molecular consequence: missense variant.
Genome position (GRCh38, 1-based): chr11:64,219,787, T>G. VCF-style: chr11-64219787-T-G. GRCh37 (hg19) VCF-style: chr11-63987259-T-G.
Other names: c.1077T>G, p.Phe359Leu (NM_001382361.1, NM_001382362.1, NM_001382448.1 and 1 more transcripts); c.537T>G, p.Phe179Leu (NM_001382363.1, NM_001382364.1); c.1077T>G (NM_031471.5); short protein forms F359L, F179L.
Identifiers: ClinVar variation 2192109 (VCV002192109.4), dbSNP rs747475656, ClinGen allele CA6069003.
Genomic context (GRCh38, chr11:64,219,787, plus strand): 5'-GGTCCTCCCATAGGACAGCCTCACCACCATCCCAGAGCTCAAGGACCATCTCCGAATCTT[T>G]CGGTGAGTTGGGGGCCAGAGTAGGCAGCCCTGCTGGAGGGGTTGGTCTGCATATGGAGGG-3'
Protein context (NP_113659.3, residues 349-369): IPELKDHLRI[Phe359Leu]RPRKLTLKGY

ClinVar aggregate classification (germline): Uncertain significance. Review status: criteria provided, multiple submitters, no conflicts (2 of 4 stars). 2 submissions from 2 submitters: Uncertain significance (2). Last evaluated 2026-05-26.

Conditions:
Inborn genetic diseases. Identifiers: MedGen C0950123, MeSH D030342.
Leukocyte adhesion deficiency 3. Also called: INTEGRIN ACTIVATION DEFICIENCY DISEASE; LEUKOCYTE ADHESION DEFICIENCY 1 VARIANT; Leukocyte adhesion deficiency, type III. Identifiers: Orphanet 2968, Orphanet 99844, MedGen C2748536, MONDO:0013016, OMIM 612840.

Allele frequency attached by ClinVar (database versions not stated): ExAC 0.00001; gnomAD exomes below 0.00001; TOPMed 0.00001.
gnomAD v4.1: 3 of 1,613,918 alleles (0.00019%); highest among the groups gnomAD compares: Middle Eastern, 0.016%; no homozygotes.

Submissions (2):

Ambry Genetics
Classification: Uncertain significance for Inborn genetic diseases. Last evaluated: 2026-05-26. Review status: criteria provided, single submitter. Criteria: Ambry Variant Classification Scheme 2023. Collection method: clinical testing. Allele origin: germline.

Labcorp Genetics (formerly Invitae), Labcorp
Classification: Uncertain significance for Leukocyte adhesion deficiency 3. Last evaluated: 2022-07-22. Review status: criteria provided, single submitter. Criteria: Invitae Variant Classification Sherloc (09022015). Collection method: clinical testing. Allele origin: germline.
Comment: In summary, the available evidence is currently insufficient to determine the role of this variant in disease. Therefore, it has been classified as a Variant of Uncertain Significance. Algorithms developed to predict the effect of missense changes on protein structure and function output the following: SIFT: "Tolerated"; PolyPhen-2: "Benign"; Align-GVGD: "Class C0". The leucine amino acid residue is found in multiple mammalian species, which suggests that this missense change does not adversely affect protein function. This variant has not been reported in the literature in individuals affected with FERMT3-related conditions. This variant is present in population databases (rs747475656, gnomAD 0.004%). This sequence change replaces phenylalanine, which is neutral and non-polar, with leucine, which is neutral and non-polar, at codon 359 of the FERMT3 protein (p.Phe359Leu).